The following is an entry in ClinVar:

NM_033380.3(COL4A5):c.1643del (p.Gly548fs)

Gene: COL4A5 (collagen type IV alpha 5 chain; plus strand). Cytogenetic location: Xq22.3.
Variant type: Deletion.
Coding change: c.1643del on transcript NM_033380.3 (MANE Select); coding-DNA position 1643, one base deleted (G; older notation c.1643delG).
Protein change: p.Gly548fs; shifts the reading frame from glycine 548.
Molecular consequence: frameshift variant.
Genome position (GRCh38, 1-based): chrX:108,597,432, G deleted; the last of 2 consecutive G bases (chrX:108,597,431-108,597,432); deleting either gives the same sequence. VCF-style (leftmost placement, unchanged base first): chrX-108597430-TG-T. GRCh37 (hg19) VCF-style: chrX-107840660-TG-T.
Other names: c.1643del, p.Gly548fs (NM_000495.5); short protein forms G548fs.
Identifiers: ClinVar variation 1378030 (VCV001378030.6), dbSNP rs2147810144, ClinGen allele CA2573159111.

ClinVar aggregate classification (germline): Pathogenic (1 of 4 stars; one submission).

Submission:

Labcorp Genetics (formerly Invitae), Labcorp
Classification: Pathogenic. Last evaluated: 2021-07-26. Review status: criteria provided, single submitter. Criteria: Invitae Variant Classification Sherloc (09022015). Collection method: clinical testing. Allele origin: germline.
Comment: For these reasons, this variant has been classified as Pathogenic. This variant has not been reported in the literature in individuals affected with COL4A5-related conditions. This variant is not present in population databases (ExAC no frequency). This sequence change creates a premature translational stop signal (p.Gly548Valfs*9) in the COL4A5 gene. It is expected to result in an absent or disrupted protein product. Loss-of-function variants in COL4A5 are known to be pathogenic (PMID: 9195222, 10752524, 14514738, 24854265, 26809805).

Literature cited by the submitters: PubMed 9195222; PubMed 10752524; PubMed 14514738; PubMed 24854265; PubMed 26809805.